The following is an entry in ClinVar:

NM_001365088.1(SLC12A6):c.113G>A (p.Arg38Gln)

Gene: SLC12A6 (solute carrier family 12 member 6; minus strand). Cytogenetic location: 15q14.
Variant type: single nucleotide variant.
Coding change: c.113G>A on transcript NM_001365088.1 (MANE Select); coding-DNA position 113, G replaced by A.
Protein change: p.Arg38Gln; replaces arginine 38 with glutamine.
Molecular consequence: missense variant. On other transcripts: 5 prime UTR variant (2).
Genome position (GRCh38, 1-based): chr15:34,336,568, C>T on the plus strand (G>A on the coding strand, the complement: SLC12A6 is on the minus strand). VCF-style: chr15-34336568-C-T. GRCh37 (hg19) VCF-style: chr15-34628769-C-T.
Other names: c.-65G>A (NM_001042494.2, NM_001042495.2); c.86G>A, p.Arg29Gln (NM_001042496.2); c.113G>A, p.Arg38Gln (NM_001042497.2, NM_133647.2); short protein forms R38Q, R29Q.
Identifiers: ClinVar variation 2811934 (VCV002811934.3), dbSNP rs762754392, ClinGen allele CA391621671.
Genomic context (GRCh38, chr15:34,336,568, plus strand): 5'-TCACTCCGGCTTGTTTCAGGCACGCTTTCCCGGGAGCTAAATCTTACTCGGGAACTAGAT[C>T]GAGAGCTGAGGTCCGGACTGGTGTCTGACAAACCTGGAATGTCATCGATCTTTGTCGGTG-3'
Protein context (NP_001352017.1, residues 28-48): LSDTSPDLSS[Arg38Gln]SSSRVRFSSR

ClinVar aggregate classification (germline): Uncertain significance (1 of 4 stars; one submission).

Allele frequency attached by ClinVar (database versions not stated): TOPMed below 0.00001.

Submission:

Labcorp Genetics (formerly Invitae), Labcorp
Classification: Uncertain significance. Last evaluated: 2022-11-04. Review status: criteria provided, single submitter. Criteria: Invitae Variant Classification Sherloc (09022015). Collection method: clinical testing. Allele origin: germline.
Comment: This sequence change replaces arginine, which is basic and polar, with glutamine, which is neutral and polar, at codon 38 of the SLC12A6 protein (p.Arg38Gln). This variant is not present in population databases (gnomAD no frequency). In summary, the available evidence is currently insufficient to determine the role of this variant in disease. Therefore, it has been classified as a Variant of Uncertain Significance. This variant has not been reported in the literature in individuals affected with SLC12A6-related conditions. Advanced modeling of protein sequence and biophysical properties (such as structural, functional, and spatial information, amino acid conservation, physicochemical variation, residue mobility, and thermodynamic stability) performed at Invitae indicates that this missense variant is not expected to disrupt SLC12A6 protein function.